The following is an entry in ClinVar:

ClinVar aggregate classification (germline): Uncertain significance (1 of 4 stars; one submission).

Conditions:
Hereditary sensory neuropathy-deafness-dementia syndrome. Also called: Hereditary sensory neuropathy type IE; NEUROPATHY, HEREDITARY SENSORY, WITH HEARING LOSS AND DEMENTIA; Hereditary Sensory and Autonomic Neuropathy Type 1E (HSAN1E); HSN IE. Identifiers: Orphanet 456318, MedGen C3279885, MONDO:0013584, OMIM 614116.

Submission:

Labcorp Genetics (formerly Invitae), Labcorp
Classification: Uncertain significance for Hereditary sensory neuropathy-deafness-dementia syndrome. Last evaluated: 2019-02-26. Review status: criteria provided, single submitter. Criteria: Invitae Variant Classification Sherloc (09022015). Collection method: clinical testing. Allele origin: germline.
Comment: In summary, the available evidence is currently insufficient to determine the role of this variant in disease. Therefore, it has been classified as a Variant of Uncertain Significance. Algorithms developed to predict the effect of missense changes on protein structure and function (SIFT, PolyPhen-2, Align-GVGD) all suggest that this variant is likely to be tolerated, but these predictions have not been confirmed by published functional studies and their clinical significance is uncertain. This variant has not been reported in the literature in individuals with DNMT1-related conditions. This variant is not present in population databases (ExAC no frequency). This sequence change replaces proline with arginine at codon 138 of the DNMT1 protein (p.Pro138Arg). The proline residue is moderately conserved and there is a moderate physicochemical difference between proline and arginine.

NM_001130823.3(DNMT1):c.413C>G (p.Pro138Arg)

Gene: DNMT1 (DNA methyltransferase 1; minus strand). Cytogenetic location: 19p13.2.
Variant type: single nucleotide variant.
Coding change: c.413C>G on transcript NM_001130823.3 (MANE Select); coding-DNA position 413, C replaced by G.
Protein change: p.Pro138Arg; replaces proline 138 with arginine.
Molecular consequence: missense variant.
Genome position (GRCh38, 1-based): chr19:10,180,382, G>C on the plus strand (C>G on the coding strand, the complement: DNMT1 is on the minus strand). VCF-style: chr19-10180382-G-C. GRCh37 (hg19) VCF-style: chr19-10291058-G-C.
Other names: c.50C>G, p.Pro17Arg (NM_001318731.2); c.413C>G, p.Pro138Arg (NM_001379.4, NM_001318730.2); short protein forms P17R, P138R.
Identifiers: ClinVar variation 850374 (VCV000850374.9), dbSNP rs2039021941, ClinGen allele CA403946135.